The following is an entry in ClinVar:

NM_022552.5(DNMT3A):c.2593_2594del (p.Glu865fs)

Gene: DNMT3A (DNA methyltransferase 3 alpha; minus strand). Cytogenetic location: 2p23.3.
Variant type: Deletion.
Coding change: c.2593_2594del on transcript NM_022552.5 (MANE Select); coding-DNA positions 2593 to 2594, 2 bases deleted (GA; older notation c.2593_2594delGA).
Protein change: p.Glu865fs; shifts the reading frame from glutamic acid 865.
Molecular consequence: frameshift variant. On other transcripts: non-coding transcript variant (1).
Genome position (GRCh38, 1-based): chr2:25,235,710-25,235,711, TC deleted on the plus strand (GA on the coding strand, the reverse complement: DNMT3A is on the minus strand). VCF-style (leftmost placement, unchanged base first): chr2-25235709-TTC-T. GRCh37 (hg19) VCF-style: chr2-25458578-TTC-T.
Other names: c.2137_2138del, p.Glu713fs (NM_001320893.1); c.1924_1925del, p.Glu642fs (NM_001375819.1); c.2026_2027del, p.Glu676fs (NM_153759.3); c.2593_2594del, p.Glu865fs (NM_175629.2); short protein forms E642fs, E676fs, E713fs, E865fs.
Identifiers: ClinVar variation 3366981 (VCV003366981.1).

ClinVar aggregate classification (germline): Pathogenic (1 of 4 stars; one submission).

Conditions:
Tatton-Brown-Rahman overgrowth syndrome. Also called: Tall stature-intellectual disability-facial dysmorphism syndrome; Tatton-Brown-Rahman syndrome. Identifiers: Orphanet 404443, MedGen C4014545, MONDO:0014382, OMIM 615879.

Submission:

Institute of Immunology and Genetics Kaiserslautern
Classification: Pathogenic for Tatton-Brown-Rahman overgrowth syndrome. Last evaluated: 2022-07-14. Review status: criteria provided, single submitter. Criteria: ACMG Guidelines, 2015. Collection method: clinical testing. Allele origin: de novo. Affected: yes.
Comment: ACMG Criteria: PVS1, PS2, PM2; Variant was found in heterozygous state. De novo-status was confirmed via in-house segregation analysis.